The following is an entry in ClinVar:

NM_006158.5(NEFL):c.*6C>T

Gene: NEFL (neurofilament light chain; minus strand). Cytogenetic location: 8p21.2.
Variant type: single nucleotide variant.
Coding change: c.*6C>T on transcript NM_006158.5 (MANE Select); 6 bases downstream of the stop codon, C replaced by T.
Molecular consequence: 3 prime UTR variant.
Genome position (GRCh38, 1-based): chr8:24,952,804, G>A on the plus strand (C>T on the coding strand, the complement: NEFL is on the minus strand). VCF-style: chr8-24952804-G-A. GRCh37 (hg19) VCF-style: chr8-24810317-G-A.
Identifiers: ClinVar variation 4978911 (VCV004978911.1).

ClinVar aggregate classification (germline): Likely benign (1 of 4 stars; one submission).

Conditions:
NEFL-related disorder. Also called: NEFL-related condition.

gnomAD v4.1: 67 of 1,613,630 alleles (0.0042%); highest among the groups gnomAD compares: Non-Finnish European, 0.0053%; no homozygotes.

Submission:

PreventionGenetics, part of Exact Sciences
Classification: Likely benign for NEFL-related condition. Last evaluated: 2025-03-21. Review status: criteria provided, single submitter. Criteria: ACMG Guidelines, 2015. Collection method: clinical testing. Allele origin: germline.
Comment: This variant is classified as likely benign based on ACMG/AMP sequence variant interpretation guidelines (Richards et al. 2015 PMID: 25741868, with internal and published modifications).